The following is an entry in ClinVar:

ClinVar aggregate classification (germline): Uncertain significance (1 of 4 stars; one submission).

Allele frequency attached by ClinVar (database versions not stated): ExAC 0.00003; gnomAD exomes 0.00001; gnomAD 0.00002; TOPMed 0.00003.

Submission:

Labcorp Genetics (formerly Invitae), Labcorp
Classification: Uncertain significance. Last evaluated: 2025-12-22. Review status: criteria provided, single submitter. Criteria: Invitae Variant Classification Sherloc (09022015). Collection method: clinical testing. Allele origin: germline.
Comment: This sequence change replaces leucine, which is neutral and non-polar, with serine, which is neutral and polar, at codon 271 of the RNF31 protein (p.Leu271Ser). This variant is present in population databases (rs754760395, gnomAD 0.03%). This variant has not been reported in the literature in individuals affected with RNF31-related conditions. ClinVar contains an entry for this variant (Variation ID: 1973595). An algorithm developed to predict the effect of missense changes on protein structure and function (PolyPhen-2) suggests that this variant is likely to be disruptive. In summary, the available evidence is currently insufficient to determine the role of this variant in disease. Therefore, it has been classified as a Variant of Uncertain Significance.

NM_017999.5(RNF31):c.812T>C (p.Leu271Ser)

Gene: RNF31 (ring finger protein 31; plus strand). Cytogenetic location: 14q12.
Variant type: single nucleotide variant.
Coding change: c.812T>C on transcript NM_017999.5 (MANE Select); coding-DNA position 812, T replaced by C.
Protein change: p.Leu271Ser; replaces leucine 271 with serine.
Molecular consequence: missense variant.
Genome position (GRCh38, 1-based): chr14:24,150,063, T>C. VCF-style: chr14-24150063-T-C. GRCh37 (hg19) VCF-style: chr14-24619272-T-C.
Other names: c.359T>C, p.Leu120Ser (NM_001310332.2); short protein forms L120S, L271S.
Identifiers: ClinVar variation 1973595 (VCV001973595.5), dbSNP rs754760395, ClinGen allele CA7125641.
Genomic context (GRCh38, chr14:24,150,063, plus strand): 5'-TGAGGGATCCAGGCACCAGGTGCCACTTCAGCAGGCCATGTCTGCTTTTCCATTACAGTT[T>C]ACCTGCCTCAGCCCAACCACGGCCCCAGTCGACCTCCCTGCTGGCCCTGGGAGACAGCTC-3'
Protein context (NP_060469.4, residues 261-281): VLQGTHLSPS[Leu271Ser]PASAQPRPQS